The following is an entry in ClinVar:

NM_001040436.3(YARS2):c.506C>T (p.Thr169Ile)

Gene: YARS2 (tyrosyl-tRNA synthetase 2; minus strand). Cytogenetic location: 12p11.21.
Variant type: single nucleotide variant.
Coding change: c.506C>T on transcript NM_001040436.3 (MANE Select); coding-DNA position 506, C replaced by T.
Protein change: p.Thr169Ile; replaces threonine 169 with isoleucine.
Molecular consequence: missense variant.
Genome position (GRCh38, 1-based): chr12:32,755,369, G>A on the plus strand (C>T on the coding strand, the complement: YARS2 is on the minus strand). VCF-style: chr12-32755369-G-A. GRCh37 (hg19) VCF-style: chr12-32908303-G-A.
Other names: short protein forms T169I.
Identifiers: ClinVar variation 1430238 (VCV001430238.6), dbSNP rs199769247, ClinGen allele CA6508160.

ClinVar aggregate classification (germline): Uncertain significance (1 of 4 stars; one submission).

Allele frequency attached by ClinVar (database versions not stated): gnomAD 0.00001; gnomAD exomes 0.00001; ExAC 0.00002; 1000 Genomes Project 0.00020; 1000 Genomes Project 30x 0.00031.
gnomAD v4.1: 11 of 1,614,086 alleles (0.00068%); highest among the groups gnomAD compares: Admixed American, 0.01%; no homozygotes.

Submission:

Labcorp Genetics (formerly Invitae), Labcorp
Classification: Uncertain significance. Last evaluated: 2022-10-17. Review status: criteria provided, single submitter. Criteria: Invitae Variant Classification Sherloc (09022015). Collection method: clinical testing. Allele origin: germline.
Comment: In summary, the available evidence is currently insufficient to determine the role of this variant in disease. Therefore, it has been classified as a Variant of Uncertain Significance. Advanced modeling of protein sequence and biophysical properties (such as structural, functional, and spatial information, amino acid conservation, physicochemical variation, residue mobility, and thermodynamic stability) performed at Invitae indicates that this missense variant is not expected to disrupt YARS2 protein function. ClinVar contains an entry for this variant (Variation ID: 1430238). This variant has not been reported in the literature in individuals affected with YARS2-related conditions. This variant is present in population databases (rs199769247, gnomAD 0.003%). This sequence change replaces threonine, which is neutral and polar, with isoleucine, which is neutral and non-polar, at codon 169 of the YARS2 protein (p.Thr169Ile).